The following is an entry in ClinVar:

ClinVar aggregate classification (germline): Uncertain significance (1 of 4 stars; one submission).

Conditions:
Haddad syndrome (OHD). Also called: Ondine-Hirschsprung disease. Identifiers: Orphanet 99803, MedGen C1859049, MONDO:0020493.

Submission:

Labcorp Genetics (formerly Invitae), Labcorp
Classification: Uncertain significance for Haddad syndrome. Last evaluated: 2023-04-19. Review status: criteria provided, single submitter. Criteria: Invitae Variant Classification Sherloc (09022015). Collection method: clinical testing. Allele origin: germline.
Comment: In summary, the available evidence is currently insufficient to determine the role of this variant in disease. Therefore, it has been classified as a Variant of Uncertain Significance. An algorithm developed to predict the effect of missense changes on protein structure and function (PolyPhen-2) suggests that this variant is likely to be disruptive. This variant has not been reported in the literature in individuals affected with PHOX2B-related conditions. This variant is not present in population databases (gnomAD no frequency). This sequence change replaces cysteine, which is neutral and slightly polar, with tyrosine, which is neutral and polar, at codon 36 of the PHOX2B protein (p.Cys36Tyr).

NM_003924.4(PHOX2B):c.107G>A (p.Cys36Tyr)

Genes: PHOX2B (paired like homeobox 2B; minus strand), PHOX2B-AS1 (PHOX2B antisense RNA 1; plus strand). Cytogenetic location: 4p13.
Variant type: single nucleotide variant.
Coding change: c.107G>A on transcript NM_003924.4 (MANE Select); coding-DNA position 107, G replaced by A.
Protein change: p.Cys36Tyr; replaces cysteine 36 with tyrosine.
Molecular consequence: missense variant. On other transcripts: non-coding transcript variant (1).
Genome position (GRCh38, 1-based): chr4:41,748,504, C>T on the plus strand (G>A on the coding strand, the complement: PHOX2B is on the minus strand). VCF-style: chr4-41748504-C-T. GRCh37 (hg19) VCF-style: chr4-41750521-C-T.
Other names: short protein forms C36Y.
Identifiers: ClinVar variation 2857522 (VCV002857522.3), dbSNP rs2552097185, ClinGen allele CA356741075.